The following is an entry in ClinVar:

ClinVar aggregate classification (germline): Uncertain significance. Review status: criteria provided, multiple submitters, no conflicts (2 of 4 stars). 4 submissions from 4 submitters: Uncertain significance (3). 1 of the submissions does not count toward it. Last evaluated 2026-03-12.

Conditions:
Ciliary dyskinesia, primary, 40. Also called: CILIARY DYSKINESIA, PRIMARY, 40, WITH OR WITHOUT SITUS INVERSUS. Identifiers: MedGen C4749028, MONDO:0032664, OMIM 618300.

Allele frequency attached by ClinVar (database versions not stated): ExAC 0.00010; gnomAD exomes 0.00012 and 0.00025; ESP Exome Variant Server 0.00015; gnomAD 0.00019 and 0.00020; TOPMed 0.00019.
gnomAD v4.1: 378 of 1,609,186 alleles (0.023%); highest among the groups gnomAD compares: Non-Finnish European, 0.031%; no homozygotes.

Submissions (4):

GeneDx
Classification: Uncertain significance. Last evaluated: 2026-03-12. Review status: criteria provided, single submitter. Criteria: GeneDx Variant Classification Process June 2021. Collection method: clinical testing. Allele origin: germline.
Comment: In silico analysis supports a deleterious effect on splicing; This variant is associated with the following publications: (PMID: 31589614, 30471718)

Blueprint Genetics
Classification: Uncertain significance. Last evaluated: 2024-11-08. Review status: criteria provided, single submitter. Criteria: ACMG Guidelines, 2015. Collection method: clinical testing. Allele origin: germline.

Labcorp Genetics (formerly Invitae), Labcorp
Classification: Uncertain significance. Last evaluated: 2022-01-11. Review status: criteria provided, single submitter. Criteria: Invitae Variant Classification Sherloc (09022015). Collection method: clinical testing. Allele origin: germline.
Comment: This sequence change falls in intron 11 of the DNAH9 gene. It does not directly change the encoded amino acid sequence of the DNAH9 protein. It affects a nucleotide within the consensus splice site. This variant is present in population databases (rs368341716, gnomAD 0.03%). This variant has been observed in individual(s) with primary ciliary dyskinesia (PMID: 30471718). ClinVar contains an entry for this variant (Variation ID: 617523). Variants that disrupt the consensus splice site are a relatively common cause of aberrant splicing (PMID: 17576681, 9536098). Algorithms developed to predict the effect of sequence changes on RNA splicing suggest that this variant may disrupt the consensus splice site. In summary, the available evidence is currently insufficient to determine the role of this variant in disease. Therefore, it has been classified as a Variant of Uncertain Significance.

OMIM
Classification: Pathogenic for CILIARY DYSKINESIA, PRIMARY, 40, WITH SITUS INVERSUS. Last evaluated: 2020-01-29. Review status: no assertion criteria provided. Collection method: literature only. Allele origin: germline. Not counted in ClinVar's aggregate classification.

Literature cited by the submitters: PubMed 30471718 (cited by Labcorp Genetics (formerly Invitae), Labcorp and OMIM); PubMed 17576681 (cited by Labcorp Genetics (formerly Invitae), Labcorp); PubMed 9536098 (cited by Labcorp Genetics (formerly Invitae), Labcorp).

NM_001372.4(DNAH9):c.1970+4A>G

Gene: DNAH9 (dynein axonemal heavy chain 9; plus strand). Cytogenetic location: 17p12.
Variant type: single nucleotide variant.
Coding change: c.1970+4A>G on transcript NM_001372.4 (MANE Select); 4 bases into the intron after coding-DNA position 1970, A replaced by G.
Molecular consequence: intron variant.
Genome position (GRCh38, 1-based): chr17:11,644,703, A>G. VCF-style: chr17-11644703-A-G. GRCh37 (hg19) VCF-style: chr17-11548020-A-G.
Other names: NT1970, A-G, +4.
Identifiers: ClinVar variation 617523 (VCV000617523.9), dbSNP rs368341716, ClinGen allele CA8395036.